The following is an entry in ClinVar:

NM_000138.5(FBN1):c.6277G>A (p.Gly2093Arg)

Gene: FBN1 (fibrillin 1; minus strand). Cytogenetic location: 15q21.1.
Variant type: single nucleotide variant.
Coding change: c.6277G>A on transcript NM_000138.5 (MANE Select); coding-DNA position 6277, G replaced by A.
Protein change: p.Gly2093Arg; replaces glycine 2093 with arginine.
Molecular consequence: missense variant.
Genome position (GRCh38, 1-based): chr15:48,437,804, C>T on the plus strand (G>A on the coding strand, the complement: FBN1 is on the minus strand). VCF-style: chr15-48437804-C-T. GRCh37 (hg19) VCF-style: chr15-48730001-C-T.
Other names: short protein forms G2093R.
Identifiers: ClinVar variation 418199 (VCV000418199.5), dbSNP rs1064793117, ClinGen allele CA16619945.

ClinVar aggregate classification (germline): Conflicting classifications of pathogenicity. Review status: criteria provided, conflicting classifications (1 of 4 stars). 2 submissions from 2 submitters: Likely pathogenic (1); Uncertain significance (1). Last evaluated 2025-05-11.

Conditions:
Marfan syndrome (MFS). Also called: Marfan syndrome, classic; Marfan syndrome type 1; Marfan's syndrome; MARFAN SYNDROME, TYPE I; FBN1-Related Marfan Syndrome. Identifiers: Orphanet 284963, Orphanet 558, MedGen C0024796, MONDO:0007947, OMIM 154700.
Familial thoracic aortic aneurysm and aortic dissection (TAAD). Also called: Thoracic aortic aneurysms and dissections. Identifiers: Orphanet 91387, MedGen C4707243, MONDO:0019625.

Submissions (2):

Labcorp Genetics (formerly Invitae), Labcorp
Classification: Likely pathogenic for Marfan syndrome; Familial thoracic aortic aneurysm and aortic dissection. Last evaluated: 2025-05-11. Review status: criteria provided, single submitter. Criteria: Invitae Variant Classification Sherloc (09022015). Collection method: clinical testing. Allele origin: germline.
Comment: This sequence change replaces glycine, which is neutral and non-polar, with arginine, which is basic and polar, at codon 2093 of the FBN1 protein (p.Gly2093Arg). This variant is not present in population databases (gnomAD no frequency). This missense change has been observed in individuals with aortic dissection and/or Marfan syndrome (PMID: 28941062; external communication). ClinVar contains an entry for this variant (Variation ID: 418199). Invitae Evidence Modeling of protein sequence and biophysical properties (such as structural, functional, and spatial information, amino acid conservation, physicochemical variation, residue mobility, and thermodynamic stability) indicates that this missense variant is expected to disrupt FBN1 protein function with a positive predictive value of 95%. This variant disrupts the p.Gly2093 amino acid residue in FBN1. Other variant(s) that disrupt this residue have been observed in individuals with FBN1-related conditions (PMID: 27906200), which suggests that this may be a clinically significant amino acid residue. In summary, the currently available evidence indicates that the variant is pathogenic, but additional data are needed to prove that conclusively. Therefore, this variant has been classified as Likely Pathogenic.

GeneDx
Classification: Uncertain significance. Last evaluated: 2023-12-11. Review status: criteria provided, single submitter. Criteria: GeneDx Variant Classification Process June 2021. Collection method: clinical testing. Allele origin: germline. Affected: yes.
Comment: Reported in one individual with possible Marfan syndrome; however, detailed clinical information was not provided (PMID: 28941062); Not observed at significant frequency in large population cohorts (gnomAD); In silico analysis supports that this missense variant has a deleterious effect on protein structure/function; This variant is associated with the following publications: (PMID: 28941062)

Literature cited by the submitters: PubMed 28941062 (cited by Labcorp Genetics (formerly Invitae), Labcorp); PubMed 27906200 (cited by Labcorp Genetics (formerly Invitae), Labcorp).